The following is an entry in ClinVar:

NM_016065.4(MRPS16):c.300T>A (p.His100Gln)

Genes: DNAJC9-AS1 (DNAJC9 and MRPS16 antisense RNA 1; plus strand), MRPS16 (mitochondrial ribosomal protein S16; minus strand). Cytogenetic location: 10q22.2.
Variant type: single nucleotide variant.
Coding change: c.300T>A on transcript NM_016065.4 (MANE Select); coding-DNA position 300, T replaced by A.
Protein change: p.His100Gln; replaces histidine 100 with glutamine.
Molecular consequence: missense variant.
Genome position (GRCh38, 1-based): chr10:73,250,966, A>T on the plus strand (T>A on the coding strand, the complement: MRPS16 is on the minus strand). VCF-style: chr10-73250966-A-T. GRCh37 (hg19) VCF-style: chr10-75010724-A-T.
Other names: short protein forms H100Q.
Identifiers: ClinVar variation 214675 (VCV000214675.7), dbSNP rs777579323, ClinGen allele CA321518.

ClinVar aggregate classification (germline): Uncertain significance. Review status: criteria provided, multiple submitters, no conflicts (2 of 4 stars). 3 submissions from 3 submitters: Uncertain significance (3). Last evaluated 2025-01-17.

Allele frequency attached by ClinVar (database versions not stated): TOPMed below 0.00001; gnomAD exomes 0.00001.
gnomAD v4.1: 16 of 1,614,168 alleles (0.00099%); highest among the groups gnomAD compares: Non-Finnish European, 0.0014%; no homozygotes.

Submissions (3):

Ambry Genetics
Classification: Uncertain significance. Last evaluated: 2025-01-17. Review status: criteria provided, single submitter. Criteria: Ambry Variant Classification Scheme 2023. Collection method: clinical testing. Allele origin: germline.

Labcorp Genetics (formerly Invitae), Labcorp
Classification: Uncertain significance. Last evaluated: 2023-12-06. Review status: criteria provided, single submitter. Criteria: Invitae Variant Classification Sherloc (09022015). Collection method: clinical testing. Allele origin: germline.
Comment: This sequence change replaces histidine, which is basic and polar, with glutamine, which is neutral and polar, at codon 100 of the MRPS16 protein (p.His100Gln). This variant is not present in population databases (gnomAD no frequency). This variant has not been reported in the literature in individuals affected with MRPS16-related conditions. ClinVar contains an entry for this variant (Variation ID: 214675). An algorithm developed to predict the effect of missense changes on protein structure and function (PolyPhen-2) suggests that this variant is likely to be disruptive. In summary, the available evidence is currently insufficient to determine the role of this variant in disease. Therefore, it has been classified as a Variant of Uncertain Significance.

GeneDx
Classification: Uncertain significance. Last evaluated: 2014-04-08. Review status: criteria provided, single submitter. Criteria: GeneDx Variant Classification (06012015). Collection method: clinical testing. Allele origin: germline. Affected: yes.
Comment: p.His100Gln (CAT>CAA): c.300 T>A in exon 3 of the MRPS16 gene (NM_016065.3). A variant of unknown significance in the MRPS16 gene has not been published as a mutation, nor has it been reported as a benign polymorphism to our knowledge. The H100Q variant is a semi-conservative amino acid substitution, which may impact secondary protein structure as these residues differ in some properties. This substitution occurs at a position that is conserved across species. In silico analysis is inconsistent in its predictions as to whether or not the variant is damaging to the protein structure/function. Therefore, based on the currently available information, it is unclear whether this variant is a pathogenic mutation or a rare benign variant. The variant is found in MITONUC-MITOP panel(s).